The following is an entry in ClinVar:

NM_000392.5(ABCC2):c.1058G>A (p.Arg353His)

Gene: ABCC2 (ATP binding cassette subfamily C member 2; plus strand). Cytogenetic location: 10q24.2.
Variant type: single nucleotide variant.
Coding change: c.1058G>A on transcript NM_000392.5 (MANE Select); coding-DNA position 1058, G replaced by A.
Protein change: p.Arg353His; replaces arginine 353 with histidine.
Molecular consequence: missense variant.
Genome position (GRCh38, 1-based): chr10:99,800,412, G>A. VCF-style: chr10-99800412-G-A. GRCh37 (hg19) VCF-style: chr10-101560169-G-A.
Other names: c.1058G>A, p.Arg353His (LRG_1208t1); short protein forms R353H.
Identifiers: ClinVar variation 298446 (VCV000298446.17), dbSNP rs7080681, ClinGen allele CA5643074.

ClinVar aggregate classification (germline): Benign/Likely benign. Review status: criteria provided, multiple submitters, no conflicts (2 of 4 stars). 5 submissions from 5 submitters: Benign (2); Likely benign (2). 1 of the submissions does not count toward it. Last evaluated 2026-01-31.

Conditions:
Dubin-Johnson syndrome (DJS). Also called: HYPERBILIRUBINEMIA, DUBIN-JOHNSON TYPE; Jaundice, Chronic Idiopathic; Hyperbilirubinemia type 2. Identifiers: Orphanet 234, MedGen C0022350, MONDO:0009380, OMIM 237500.
ABCC2-related disorder. Also called: ABCC2-related condition.

Allele frequency attached by ClinVar (database versions not stated): gnomAD exomes 0.00151 and 0.00393; ExAC 0.00491; gnomAD 0.01398 and 0.01505; 1000 Genomes Project 0.01458; 1000 Genomes Project 30x 0.01577; TOPMed 0.01643; ESP Exome Variant Server 0.01745.
gnomAD v4.1: 4,498 of 1,614,130 alleles (0.28%); highest among the groups gnomAD compares: African/African-American, 4.9%; 90 homozygotes.

Submissions (5):

Labcorp Genetics (formerly Invitae), Labcorp
Classification: Benign. Last evaluated: 2026-01-31. Review status: criteria provided, single submitter. Criteria: Invitae Variant Classification Sherloc (09022015). Collection method: clinical testing. Allele origin: germline.

Mayo Clinic Laboratories, Mayo Clinic
Classification: Benign. Last evaluated: 2021-04-07. Review status: criteria provided, single submitter. Criteria: ACMG Guidelines, 2015. Collection method: clinical testing. Allele origin: germline. Observed: 12 variant alleles.

Illumina Laboratory Services, Illumina
Classification: Likely benign for Dubin-Johnson syndrome. Last evaluated: 2017-04-27. Review status: criteria provided, single submitter. Criteria: ICSL Variant Classification Criteria 13 December 2019. Collection method: clinical testing. Allele origin: germline.
Comment: This variant was observed as part of a predisposition screen in an ostensibly healthy population. A literature search was performed for the gene, cDNA change, and amino acid change (where applicable). No publications were found based on this search. Allele frequency data from public databases allowed determination this variant is unlikely to cause disease. Therefore, this variant is classified as likely benign.

Breakthrough Genomics
Classification: Likely benign. Review status: criteria provided, single submitter. Criteria: ACMG Guidelines, 2015. Collection method: not provided. Allele origin: germline. Inheritance: Autosomal recessive inheritance. Affected: yes.

PreventionGenetics, part of Exact Sciences
Classification: Benign for ABCC2-related condition. Last evaluated: 2019-08-28. Review status: no assertion criteria provided. Collection method: clinical testing. Allele origin: germline. Not counted in ClinVar's aggregate classification.
Comment: This variant is classified as benign based on ACMG/AMP sequence variant interpretation guidelines (Richards et al. 2015 PMID: 25741868, with internal and published modifications).